The following is an entry in ClinVar:

NM_001130438.3(SPTAN1):c.4046+5G>A

Gene: SPTAN1 (spectrin alpha, non-erythrocytic 1; plus strand). Cytogenetic location: 9q34.11.
Variant type: single nucleotide variant.
Coding change: c.4046+5G>A on transcript NM_001130438.3 (MANE Select); 5 bases into the intron after coding-DNA position 4046, G replaced by A.
Molecular consequence: intron variant.
Genome position (GRCh38, 1-based): chr9:128,605,482, G>A. VCF-style: chr9-128605482-G-A. GRCh37 (hg19) VCF-style: chr9-131367761-G-A.
Other names: c.4046+5G>A (NM_001363759.2, NM_003127.4); c.3986+5G>A (NM_001363765.2, NM_001195532.2).
Identifiers: ClinVar variation 207334 (VCV000207334.21), dbSNP rs541570752, ClinGen allele CA318700.
Genomic context (GRCh38, chr9:128,605,482, plus strand): 5'-CGCAAGGCAAAGTTGGGTGACTCCCACGACCTGCAGCGCTTCCTTAGCGATTTCCGGTAC[G>A]GAGCCATGTTCACTCAGACTTCTGGAACATAGAGCCTTCTTTGTAGGGGTCATTTTTATT-3'

ClinVar aggregate classification (germline): Conflicting classifications of pathogenicity. Review status: criteria provided, conflicting classifications (1 of 4 stars). 6 submissions from 6 submitters: Uncertain significance (1); Benign (3); Likely benign (1). 1 of the submissions does not count toward it. Last evaluated 2026-05-01.

Conditions:
SPTAN1-related disorder. Also called: SPTAN1-related disorders; SPTAN1-related condition.
Early-infantile DEE. Also called: Ohtahara syndrome; Early infantile epileptic encephalopathy; Early infantile epileptic encephalopathy with suppression bursts. Identifiers: Orphanet 1934, MedGen C0393706, MONDO:0800491.
Inborn genetic diseases. Identifiers: MedGen C0950123, MeSH D030342.
Developmental and epileptic encephalopathy, 5 (DEE5). Identifiers: Orphanet 3451, MedGen C3150731, MONDO:0013277, OMIM 613477.

Allele frequency attached by ClinVar (database versions not stated): 1000 Genomes Project 0.00060; 1000 Genomes Project 30x 0.00062; ExAC 0.00066; gnomAD below 0.00001 and 0.00009; TOPMed 0.00002; gnomAD exomes 0.00023 and 0.00051.
gnomAD v4.1: 370 of 1,614,026 alleles (0.023%); highest among the groups gnomAD compares: South Asian, 0.36%; 4 homozygotes.

Submissions (6):

CeGaT Center for Human Genetics Tuebingen
Classification: Likely benign. Last evaluated: 2026-05-01. Review status: criteria provided, single submitter. Criteria: CeGaT Center For Human Genetics Tuebingen Variant Classification Criteria Version 2. Collection method: clinical testing. Allele origin: germline. Affected: yes. Observed: 1 variant allele.
Comment: SPTAN1: BS1

Labcorp Genetics (formerly Invitae), Labcorp
Classification: Benign for Early-infantile DEE. Last evaluated: 2026-01-15. Review status: criteria provided, single submitter. Criteria: Invitae Variant Classification Sherloc (09022015). Collection method: clinical testing. Allele origin: germline.

Genome-Nilou Lab
Classification: Benign for Developmental and epileptic encephalopathy, 5. Last evaluated: 2021-07-15. Review status: criteria provided, single submitter. Criteria: ACMG Guidelines, 2015. Collection method: clinical testing. Allele origin: germline. Affected: no.

GeneDx
Classification: Benign. Last evaluated: 2020-05-05. Review status: criteria provided, single submitter. Criteria: GeneDx Variant Classification Process June 2021. Collection method: clinical testing. Allele origin: germline. Affected: yes.

Ambry Genetics
Classification: Uncertain significance for Inborn genetic diseases. Last evaluated: 2016-10-31. Review status: criteria provided, single submitter. Criteria: Ambry Variant Classification Scheme 2023. Collection method: clinical testing. Allele origin: germline.
Comment: The c.4046+5G>A intronic variant results from a G to A substitution 5 nucleotides after coding exon 30 in the SPTAN1 gene. This variant was not reported in population based cohorts in the following databases: Database of Single Nucleotide Polymorphisms (dbSNP), NHLBI Exome Sequencing Project (ESP), and 1000 Genomes Project. In the ESP, this variant was not observed in 6503 samples (13006 alleles) with coverage at this position. This nucleotide position is not well conserved in available vertebrate species. Using the BDGP and ESEfinder splice site prediction tools, this alteration is predicted to weaken the efficiency of the native splice donor site; however, direct evidence is unavailable. Since supporting evidence is limited at this time, the clinical significance of this variant remains unclear.

PreventionGenetics, part of Exact Sciences
Classification: Benign for SPTAN1-related condition. Last evaluated: 2021-02-11. Review status: no assertion criteria provided. Collection method: clinical testing. Allele origin: germline. Not counted in ClinVar's aggregate classification.
Comment: This variant is classified as benign based on ACMG/AMP sequence variant interpretation guidelines (Richards et al. 2015 PMID: 25741868, with internal and published modifications).